The following is an entry in ClinVar:

ClinVar aggregate classification (germline): Benign/Likely benign. Review status: criteria provided, multiple submitters, no conflicts (2 of 4 stars). 4 submissions from 4 submitters: Benign (2); Likely benign (2). Last evaluated 2026-05-12.

Conditions:
Holoprosencephaly 9 (HPE9). Also called: PITUITARY ANOMALIES WITH HOLOPROSENCEPHALY-LIKE FEATURES; HOLOPROSENCEPHALY WITH MICROPHTHALMIA AND FIRST BRANCHIAL ARCH ANOMALIES. Identifiers: Orphanet 2162, MedGen C1835819, MONDO:0012563, OMIM 610829.
Postaxial polydactyly-anterior pituitary anomalies-facial dysmorphism syndrome. Also called: Culler-Jones syndrome. Identifiers: Orphanet 420584, MedGen C4014479, MONDO:0014369, OMIM 615849.

Allele frequency attached by ClinVar (database versions not stated): 1000 Genomes Project 30x 0.00109; TOPMed 0.00026; gnomAD 0.00259 and 0.00269; ExAC 0.00303; gnomAD exomes 0.00350 and 0.00144; ESP Exome Variant Server 0.00031; 1000 Genomes Project 0.00140.
gnomAD v4.1: 2,499 of 1,612,102 alleles (0.16%); highest among the groups gnomAD compares: Middle Eastern, 0.067%; 27 homozygotes.

Submissions (4):

Women's Health and Genetics/Laboratory Corporation of America, LabCorp
Classification: Benign. Last evaluated: 2026-05-12. Review status: criteria provided, single submitter. Criteria: LabCorp Variant Classification Summary - May 2015. Collection method: clinical testing. Allele origin: germline.

Labcorp Genetics (formerly Invitae), Labcorp
Classification: Benign for Postaxial polydactyly-anterior pituitary anomalies-facial dysmorphism syndrome; Holoprosencephaly 9. Last evaluated: 2025-05-06. Review status: criteria provided, single submitter. Criteria: Invitae Variant Classification Sherloc (09022015). Collection method: clinical testing. Allele origin: germline.

Illumina Laboratory Services, Illumina
Classification: Likely benign for Holoprosencephaly 9. Last evaluated: 2018-01-13. Review status: criteria provided, single submitter. Criteria: ICSL Variant Classification Criteria 13 December 2019. Collection method: clinical testing. Allele origin: germline.
Comment: This variant was observed in the ICSL laboratory as part of a predisposition screen in an ostensibly healthy population. It had not been previously curated by ICSL or reported in the Human Gene Mutation Database (HGMD: prior to June 1st, 2018), and was therefore a candidate for classification through an automated scoring system. Utilizing variant allele frequency, disease prevalence and penetrance estimates, and inheritance mode, an automated score was calculated to assess if this variant is too frequent to cause the disease. Based on the score and internal cut-off values, a variant classified as likely benign is not then subjected to further curation. The score for this variant resulted in a classification of likely benign for this disease.

PreventionGenetics, part of Exact Sciences
Classification: Likely benign. Review status: criteria provided, single submitter. Criteria: ACMG Guidelines, 2015. Collection method: clinical testing. Allele origin: germline.

NM_001374353.1(GLI2):c.148+14C>T

Gene: GLI2 (GLI family zinc finger 2; plus strand). Cytogenetic location: 2q14.2.
Variant type: single nucleotide variant.
Coding change: c.148+14C>T on transcript NM_001374353.1 (MANE Select); 14 bases into the intron after coding-DNA position 148, C replaced by T.
Molecular consequence: intron variant.
Genome position (GRCh38, 1-based): chr2:120,797,482, C>T. VCF-style: chr2-120797482-C-T. GRCh37 (hg19) VCF-style: chr2-121555058-C-T.
Other names: c.148+14C>T (NM_001371271.1, NM_005270.5); c.-122+14C>T (NM_001374354.1).
Identifiers: ClinVar variation 259713 (VCV000259713.14), dbSNP rs190309269, ClinGen allele CA1851412.